The following is an entry in ClinVar:

NM_000038.6(APC):c.4548A>G (p.Ile1516Met)

Gene: APC (APC regulator of Wnt signaling pathway; plus strand). Cytogenetic location: 5q22.2.
Variant type: single nucleotide variant.
Coding change: c.4548A>G on transcript NM_000038.6 (MANE Select); coding-DNA position 4548, A replaced by G.
Protein change: p.Ile1516Met; replaces isoleucine 1516 with methionine.
Molecular consequence: missense variant. On other transcripts: non-coding transcript variant (2).
Genome position (GRCh38, 1-based): chr5:112,840,142, A>G. VCF-style: chr5-112840142-A-G. GRCh37 (hg19) VCF-style: chr5-112175839-A-G.
Other names: c.4548A>G, p.Ile1516Met (NM_001127510.3, NM_001354895.2, NM_001407450.1); c.4494A>G, p.Ile1498Met (NM_001127511.3); c.4602A>G, p.Ile1534Met (NM_001354896.2, NM_001407447.1, NM_001407448.1 and 1 more transcripts); c.4578A>G, p.Ile1526Met (NM_001354897.2); c.4473A>G, p.Ile1491Met (NM_001354898.2); c.4464A>G, p.Ile1488Met (NM_001354899.2); c.4425A>G, p.Ile1475Met (NM_001354900.2); c.4371A>G, p.Ile1457Met (NM_001354901.2, NM_001407453.1); and 11 more; short protein forms I1132M, I1233M, I1356M, I1387M, I1390M, I1415M, I1425M, I1433M.
Identifiers: ClinVar variation 3230525 (VCV003230525.1), dbSNP rs2149917279, ClinGen allele CA16031284.

ClinVar aggregate classification (germline): Uncertain significance (1 of 4 stars; one submission).

Conditions:
Hereditary cancer-predisposing syndrome. Also called: Neoplastic Syndromes, Hereditary; Tumor predisposition; Hereditary neoplastic syndrome; Hereditary Cancer Syndrome. Identifiers: Orphanet 140162, MedGen C0027672, MeSH D009386, MONDO:0015356.

Submission:

Ambry Genetics
Classification: Uncertain significance for Hereditary cancer-predisposing syndrome. Last evaluated: 2023-11-21. Review status: criteria provided, single submitter. Criteria: Ambry Variant Classification Scheme 2023. Collection method: clinical testing. Allele origin: germline.
Comment: The p.I1516M variant (also known as c.4548A>G), located in coding exon 15 of the APC gene, results from an A to G substitution at nucleotide position 4548. The isoleucine at codon 1516 is replaced by methionine, an amino acid with highly similar properties. This amino acid position is conserved. In addition, in silico predictors for this gene do not accurately predict pathogenicity. Since supporting evidence is limited at this time, the clinical significance of this alteration remains unclear.